The following is an entry in ClinVar:

ClinVar aggregate classification (germline): Pathogenic (1 of 4 stars; one submission).

Submission:

Labcorp Genetics (formerly Invitae), Labcorp
Classification: Pathogenic. Last evaluated: 2021-11-14. Review status: criteria provided, single submitter. Criteria: Invitae Variant Classification Sherloc (09022015). Collection method: clinical testing. Allele origin: germline.
Comment: This sequence change creates a premature translational stop signal (p.Leu500Trpfs*28) in the TCIRG1 gene. It is expected to result in an absent or disrupted protein product. Loss-of-function variants in TCIRG1 are known to be pathogenic (PMID: 10888887, 10942435, 11532986, 19448635). This variant is not present in population databases (gnomAD no frequency). This variant has not been reported in the literature in individuals affected with TCIRG1-related conditions. For these reasons, this variant has been classified as Pathogenic.

Literature cited by the submitters: PubMed 10888887; PubMed 10942435; PubMed 11532986; PubMed 19448635.

NM_006019.4(TCIRG1):c.1498del (p.Leu500fs)

Gene: TCIRG1 (T cell immune regulator 1, ATPase H+ transporting V0 subunit a3; plus strand). Cytogenetic location: 11q13.2.
Variant type: Deletion.
Coding change: c.1498del on transcript NM_006019.4 (MANE Select); coding-DNA position 1498, one base deleted (C; older notation c.1498delC).
Protein change: p.Leu500fs; shifts the reading frame from leucine 500.
Molecular consequence: frameshift variant.
Genome position (GRCh38, 1-based): chr11:68,047,916, C deleted; the last of 3 consecutive C bases (chr11:68,047,914-68,047,916); deleting any one gives the same sequence. VCF-style (leftmost placement, unchanged base first): chr11-68047913-AC-A. GRCh37 (hg19) VCF-style: chr11-67815380-AC-A.
Other names: c.604del, p.Leu202fs (NM_001351059.2); c.850del, p.Leu284fs (NM_006053.4); short protein forms L202fs, L284fs, L500fs.
Identifiers: ClinVar variation 1388769 (VCV001388769.6), dbSNP rs2134456106, ClinGen allele CA2573147500.
Genomic context (GRCh38, chr11:68,047,913, plus strand): 5'-CCTGACCGCCCTCCCCTGCGTTGCCGCAGTGATGCATTCCTGGCCCAGCACACGATGCTT[AC>A]CCTGGATCCCAACGTCACCGGTGTCTTCCTGGGACCCTACCCCTTTGGCATCGATCCTGT-3'